The following is an entry in ClinVar:

NM_014727.3(KMT2B):c.6287T>C (p.Leu2096Pro)

Gene: KMT2B (lysine methyltransferase 2B; plus strand). Cytogenetic location: 19q13.12.
Variant type: single nucleotide variant.
Coding change: c.6287T>C on transcript NM_014727.3 (MANE Select); coding-DNA position 6287, T replaced by C.
Protein change: p.Leu2096Pro; replaces leucine 2096 with proline.
Molecular consequence: missense variant.
Genome position (GRCh38, 1-based): chr19:35,732,836, T>C. VCF-style: chr19-35732836-T-C. GRCh37 (hg19) VCF-style: chr19-36223737-T-C.
Other names: c.6287T>C (NM_014727.1); short protein forms L2096P.
Identifiers: ClinVar variation 2875055 (VCV002875055.4), dbSNP rs2513352846, ClinGen allele CA405427545.

ClinVar aggregate classification (germline): Uncertain significance. Review status: criteria provided, multiple submitters, no conflicts (2 of 4 stars). 2 submissions from 2 submitters: Uncertain significance (2). Last evaluated 2025-04-03.

Conditions:
Inborn genetic diseases. Identifiers: MedGen C0950123, MeSH D030342.

Allele frequency attached by ClinVar (database versions not stated): gnomAD exomes below 0.00001.
gnomAD v4.1: 2 of 1,608,202 alleles (0.00012%); highest among the groups gnomAD compares: Middle Eastern, 0.017%; no homozygotes.

Submissions (2):

Ambry Genetics
Classification: Uncertain significance for Inborn genetic diseases. Last evaluated: 2025-04-03. Review status: criteria provided, single submitter. Criteria: Ambry Variant Classification Scheme 2023. Collection method: clinical testing. Allele origin: germline.

Labcorp Genetics (formerly Invitae), Labcorp
Classification: Uncertain significance. Last evaluated: 2024-04-23. Review status: criteria provided, single submitter. Criteria: Invitae Variant Classification Sherloc (09022015). Collection method: clinical testing. Allele origin: germline.
Comment: This sequence change replaces leucine, which is neutral and non-polar, with proline, which is neutral and non-polar, at codon 2096 of the KMT2B protein (p.Leu2096Pro). This variant is not present in population databases (gnomAD no frequency). This variant has not been reported in the literature in individuals affected with KMT2B-related conditions. Advanced modeling of protein sequence and biophysical properties (such as structural, functional, and spatial information, amino acid conservation, physicochemical variation, residue mobility, and thermodynamic stability) performed at Invitae indicates that this missense variant is not expected to disrupt KMT2B protein function with a negative predictive value of 95%. In summary, the available evidence is currently insufficient to determine the role of this variant in disease. Therefore, it has been classified as a Variant of Uncertain Significance.